The following is an entry in ClinVar:

ClinVar aggregate classification (germline): Uncertain significance (1 of 4 stars; one submission).

Conditions:
Arrhythmogenic right ventricular cardiomyopathy (ARVD). Also called: Arrhythmogenic right ventricular dysplasia; Cardiomyopathy, ARVC; Arrhythmogenic cardiomyopathy; Arrhythmogenic Right Ventricular Cardiomyopathy (ARVC). Identifiers: Orphanet 247, MedGen C0349788, MeSH D019571, MONDO:0016587. Disease mechanism: loss of function. Inheritance: Various modes of inheritance.

gnomAD v4.1: 2 of 1,614,030 alleles (0.00012%); highest among the groups gnomAD compares: Admixed American, 0.0033%; no homozygotes.

Submission:

All of Us Research Program, National Institutes of Health
Classification: Uncertain significance for Arrhythmogenic right ventricular cardiomyopathy. Last evaluated: 2023-10-02. Review status: criteria provided, single submitter. Criteria: ACMG Guidelines, 2015. Collection method: clinical testing. Allele origin: germline. Inheritance: Autosomal dominant inheritance. Observed: 2 variant alleles, 2 heterozygotes.
Comment: This missense variant replaces valine with leucine at codon 674 of the PKP2 protein. Computational prediction suggests that this variant may not impact protein structure and function (internally defined REVEL score threshold <= 0.5, PMID: 27666373). To our knowledge, functional studies have not been reported for this variant. This variant has not been reported in individuals affected with PKP2-related disorders in the literature. This variant has been identified in 2/251318 chromosomes in the general population by the Genome Aggregation Database (gnomAD). The available evidence is insufficient to determine the role of this variant in disease conclusively. Therefore, this variant is classified as a Variant of Uncertain Significance.

This study involves interpretation of variants in research participants for the purpose of population health screening. Participant phenotype was not available at the time of variant classification. Additional details can be found in publication PMID: 35346344, PMCID: PMC8962531

NM_001005242.3(PKP2):c.1888G>T (p.Val630Leu)

Gene: PKP2 (plakophilin 2; minus strand). Cytogenetic location: 12p11.21.
Variant type: single nucleotide variant.
Coding change: c.1888G>T on transcript NM_001005242.3 (MANE Select); coding-DNA position 1888, G replaced by T.
Protein change: p.Val630Leu; replaces valine 630 with leucine.
Molecular consequence: missense variant.
Genome position (GRCh38, 1-based): chr12:32,821,481, C>A on the plus strand (G>T on the coding strand, the complement: PKP2 is on the minus strand). VCF-style: chr12-32821481-C-A. GRCh37 (hg19) VCF-style: chr12-32974415-C-A.
Other names: c.1888G>T, p.Val630Leu (NM_001407155.1, NM_001407161.1); c.1723G>T, p.Val575Leu (NM_001407156.1); c.2020G>T, p.Val674Leu (NM_001407157.1, NM_004572.4); c.1561G>T, p.Val521Leu (NM_001407158.1, NM_001407159.1, NM_001407160.1 and 1 more transcripts); short protein forms V521L, V575L, V630L, V674L.
Identifiers: ClinVar variation 3071313 (VCV003071313.1), dbSNP rs143038626, ClinGen allele CA384361937.
Genomic context (GRCh38, chr12:32,821,481, plus strand): 5'-CACTTTTGGCGATCAAGGACAGATACATCCTTATAACAATGGAATGCCACAGCCACTCCA[C>A]GCCCTTGGGGTTGCTCTTTTCCTCCGGCATCGGCACGTCCTGGTATTGCTGACCACACAC-3'
Protein context (NP_001005242.2, residues 620-640): MPEEKSNPKG[Val630Leu]EWLWHSIVIR